The following is an entry in ClinVar:

ClinVar aggregate classification (germline): Uncertain significance. Review status: criteria provided, multiple submitters, no conflicts (2 of 4 stars). 3 submissions from 3 submitters: Uncertain significance (2). 1 of the submissions does not count toward it. Last evaluated 2024-11-13.

Conditions:
Very long chain acyl-CoA dehydrogenase deficiency (ACADVLD). Also called: VLCAD Deficiency; Very Long-Chain Acyl-Coenzyme A Dehydrogenase Deficiency. Identifiers: Orphanet 26793, MedGen C3887523, MONDO:0008723, OMIM 201475.
Inborn genetic diseases. Identifiers: MedGen C0950123, MeSH D030342.

Allele frequency attached by ClinVar (database versions not stated): ESP Exome Variant Server 0.00008; gnomAD 0.00010 and 0.00012; TOPMed 0.00016.
gnomAD v4.1: 29 of 1,613,992 alleles (0.0018%); highest among the groups gnomAD compares: African/African-American, 0.039%; no homozygotes.

Submissions (3):

Ambry Genetics
Classification: Uncertain significance for Inborn genetic diseases. Last evaluated: 2024-11-13. Review status: criteria provided, single submitter. Criteria: Ambry Variant Classification Scheme 2023. Collection method: clinical testing. Allele origin: germline.

Labcorp Genetics (formerly Invitae), Labcorp
Classification: Uncertain significance for Very long chain acyl-CoA dehydrogenase deficiency. Last evaluated: 2024-01-19. Review status: criteria provided, single submitter. Criteria: Invitae Variant Classification Sherloc (09022015). Collection method: clinical testing. Allele origin: germline.
Comment: This sequence change replaces proline, which is neutral and non-polar, with alanine, which is neutral and non-polar, at codon 625 of the ACADVL protein (p.Pro625Ala). This variant is present in population databases (rs377044444, gnomAD 0.02%). This variant has not been reported in the literature in individuals affected with ACADVL-related conditions. ClinVar contains an entry for this variant (Variation ID: 641507). Advanced modeling of protein sequence and biophysical properties (such as structural, functional, and spatial information, amino acid conservation, physicochemical variation, residue mobility, and thermodynamic stability) has been performed at Invitae for this missense variant, however the output from this modeling did not meet the statistical confidence thresholds required to predict the impact of this variant on ACADVL protein function. In summary, the available evidence is currently insufficient to determine the role of this variant in disease. Therefore, it has been classified as a Variant of Uncertain Significance.

Natera, Inc.
Classification: Uncertain significance for Very long chain acyl-CoA dehydrogenase deficiency. Last evaluated: 2020-03-31. Review status: no assertion criteria provided. Collection method: clinical testing. Allele origin: germline. Not counted in ClinVar's aggregate classification.

NM_000018.4(ACADVL):c.1873C>G (p.Pro625Ala)

Gene: ACADVL (acyl-CoA dehydrogenase very long chain; plus strand). Cytogenetic location: 17p13.1.
Variant type: single nucleotide variant.
Coding change: c.1873C>G on transcript NM_000018.4 (MANE Select); coding-DNA position 1873, C replaced by G.
Protein change: p.Pro625Ala; replaces proline 625 with alanine.
Molecular consequence: missense variant.
Genome position (GRCh38, 1-based): chr17:7,225,002, C>G. VCF-style: chr17-7225002-C-G. GRCh37 (hg19) VCF-style: chr17-7128321-C-G.
Other names: c.1807C>G, p.Pro603Ala (NM_001033859.3); c.1942C>G, p.Pro648Ala (NM_001270447.2); c.1645C>G, p.Pro549Ala (NM_001270448.2); c.1873C>G (NM_000018.2); short protein forms P549A, P603A, P625A, P648A.
Identifiers: ClinVar variation 641507 (VCV000641507.9), dbSNP rs377044444, ClinGen allele CA8338304.